The following is an entry in ClinVar:

ClinVar aggregate classification (germline): Likely benign. Review status: criteria provided, multiple submitters, no conflicts (2 of 4 stars). 2 submissions from 2 submitters: Likely benign (2). Last evaluated 2025-08-23.

Allele frequency attached by ClinVar (database versions not stated): gnomAD exomes 0.00008; ExAC 0.00030; TOPMed 0.00076; ESP Exome Variant Server 0.00085; 1000 Genomes Project 30x 0.00109; 1000 Genomes Project 0.00140.

Submissions (2):

Ambry Genetics
Classification: Likely benign. Last evaluated: 2025-08-23. Review status: criteria provided, single submitter. Criteria: Ambry Variant Classification Scheme 2023. Collection method: clinical testing. Allele origin: germline.

CeGaT Center for Human Genetics Tuebingen
Classification: Likely benign. Last evaluated: 2023-02-01. Review status: criteria provided, single submitter. Criteria: CeGaT Center For Human Genetics Tuebingen Variant Classification Criteria Version 2. Collection method: clinical testing. Allele origin: germline. Affected: yes. Observed: 1 variant allele.
Comment: NME1-NME2: BP4, BP7

NM_002512.4(NME2):c.360T>C (p.Ser120=)

Genes: NME1-NME2 (NME1-NME2 readthrough; plus strand), NME2 (NME/NM23 nucleoside diphosphate kinase 2; plus strand). Cytogenetic location: 17q21.33.
Variant type: single nucleotide variant.
Coding change: c.360T>C on transcript NM_002512.4 (MANE Select); coding-DNA position 360, T replaced by C.
Protein change: p.Ser120=; no amino-acid change (serine 120 retained).
Molecular consequence: synonymous variant. On other transcripts: stop lost (1), non-coding transcript variant (1).
Genome position (GRCh38, 1-based): chr17:51,171,505, T>C. VCF-style: chr17-51171505-T-C. GRCh37 (hg19) VCF-style: chr17-49248866-T-C.
Other names: c.360T>C, p.Ser120= (NM_001018137.3, NM_001018138.1, NM_001018139.2); c.247T>C, p.Ter83Arg (NM_001198682.2); c.705T>C, p.Ser235= (NM_001018136.3); c.360T>C (NM_001018137.2).
Identifiers: ClinVar variation 2647946 (VCV002647946.25), dbSNP rs148956596, ClinGen allele CA8658302.